The following is an entry in ClinVar:

NM_152743.4(BRAT1):c.1060C>G (p.Leu354Val)

Gene: BRAT1 (BRCA1 associated ATM activator 1; minus strand). Cytogenetic location: 7p22.3.
Variant type: single nucleotide variant.
Coding change: c.1060C>G on transcript NM_152743.4 (MANE Select); coding-DNA position 1060, C replaced by G.
Protein change: p.Leu354Val; replaces leucine 354 with valine.
Molecular consequence: missense variant. On other transcripts: non-coding transcript variant (1).
Genome position (GRCh38, 1-based): chr7:2,541,792, G>C on the plus strand (C>G on the coding strand, the complement: BRAT1 is on the minus strand). VCF-style: chr7-2541792-G-C. GRCh37 (hg19) VCF-style: chr7-2581426-G-C.
Other names: c.1060C>G, p.Leu354Val (NM_001350626.2); c.535C>G, p.Leu179Val (NM_001350627.2); short protein forms L354V, L179V.
Identifiers: ClinVar variation 1969718 (VCV001969718.2), dbSNP rs1379811635, ClinGen allele CA366629840.
Genomic context (GRCh38, chr7:2,541,792, plus strand): 5'-CCTCCAGGTGAGCCAGGGTGCGGCACAGGAGGCCGGCGCAGGACGACTTGGAGGCCAGGA[G>C]TGTGTCCACCGTCGTGGCATCGTCTGCCGTCCCGTCCAGCAAGCCTGGGGGCCAAGCCAG-3'
Protein context (NP_689956.2, residues 344-364): TADDATTVDT[Leu354Val]LASKSSCAGL

ClinVar aggregate classification (germline): Uncertain significance (1 of 4 stars; one submission).

Conditions:
Neonatal-onset encephalopathy with rigidity and seizures. Also called: Lethal neonatal spasticity-epileptic encephalopathy syndrome. Identifiers: Orphanet 435845, MedGen C3281029, MONDO:0013784, OMIM 614498.

gnomAD v4.1: 3 of 1,612,880 alleles (0.00019%); highest among the groups gnomAD compares: Non-Finnish European, 0.00025%; no homozygotes.

Submission:

Labcorp Genetics (formerly Invitae), Labcorp
Classification: Uncertain significance for Neonatal-onset encephalopathy with rigidity and seizures. Last evaluated: 2022-08-16. Review status: criteria provided, single submitter. Criteria: Invitae Variant Classification Sherloc (09022015). Collection method: clinical testing. Allele origin: germline.
Comment: This sequence change replaces leucine, which is neutral and non-polar, with valine, which is neutral and non-polar, at codon 354 of the BRAT1 protein (p.Leu354Val). This variant is not present in population databases (gnomAD no frequency). This variant has not been reported in the literature in individuals affected with BRAT1-related conditions. Algorithms developed to predict the effect of missense changes on protein structure and function are either unavailable or do not agree on the potential impact of this missense change (SIFT: "Deleterious"; PolyPhen-2: "Benign"; Align-GVGD: "Class C0"). In summary, the available evidence is currently insufficient to determine the role of this variant in disease. Therefore, it has been classified as a Variant of Uncertain Significance.